The following is an entry in ClinVar:

ClinVar aggregate classification (germline): Likely pathogenic (1 of 4 stars; one submission).

Conditions:
Pyruvate dehydrogenase E3 deficiency (DLDD). Also called: Dihydrolipoamide Dehydrogenase (E3) Deficiency; Dihydrolipoamide Dehydrogenase E3 Deficiency; Dihydrolipoamide Dehydrogenase Deficiency; Lipoamide dehydrogenase deficiency, lactic acidosis due to; Lipoamide dehydrogenase deficiency; DLD DEFICIENCY. Identifiers: Orphanet 2394, Orphanet 765, MedGen C5574660, MONDO:0009529, OMIM 246900.

Allele frequency attached by ClinVar (database versions not stated): TOPMed below 0.00001; gnomAD 0.00001.
gnomAD v4.1: 1 of 1,608,178 alleles (0.000062%); highest among the groups gnomAD compares: African/African-American, 0.0013%; no homozygotes.

Submission:

Labcorp Genetics (formerly Invitae), Labcorp
Classification: Likely pathogenic for Pyruvate dehydrogenase E3 deficiency. Last evaluated: 2022-07-23. Review status: criteria provided, single submitter. Criteria: Invitae Variant Classification Sherloc (09022015). Collection method: clinical testing. Allele origin: germline.
Comment: In summary, the currently available evidence indicates that the variant is pathogenic, but additional data are needed to prove that conclusively. Therefore, this variant has been classified as Likely Pathogenic. Algorithms developed to predict the effect of sequence changes on RNA splicing suggest that this variant may disrupt the consensus splice site. This variant has not been reported in the literature in individuals affected with DLD-related conditions. This variant is not present in population databases (gnomAD no frequency). This sequence change affects an acceptor splice site in intron 5 of the DLD gene. It is expected to disrupt RNA splicing. Variants that disrupt the donor or acceptor splice site typically lead to a loss of protein function (PMID: 16199547), and loss-of-function variants in DLD are known to be pathogenic (PMID: 8968745, 9934985).

Literature cited by the submitters: PubMed 16199547; PubMed 8968745; PubMed 9934985.

NM_000108.5(DLD):c.338-2A>G

Gene: DLD (dihydrolipoamide dehydrogenase; plus strand). Cytogenetic location: 7q31.1.
Variant type: single nucleotide variant.
Coding change: c.338-2A>G on transcript NM_000108.5 (MANE Select); the canonical splice acceptor site of the intron before coding-DNA position 338, A replaced by G.
Molecular consequence: splice acceptor variant.
Genome position (GRCh38, 1-based): chr7:107,904,956, A>G. VCF-style: chr7-107904956-A-G. GRCh37 (hg19) VCF-style: chr7-107545401-A-G.
Other names: c.338-2A>G (NM_001289752.1); c.269-2A>G (NM_001289751.1); c.41-2A>G (NM_001289750.1).
Identifiers: ClinVar variation 2019087 (VCV002019087.4), dbSNP rs1460356604, ClinGen allele CA368855169.